The following is an entry in ClinVar:

ClinVar aggregate classification (germline): Likely pathogenic (1 of 4 stars; one submission).

Conditions:
Heterotopia, periventricular, X-linked dominant (PVNH1). Also called: PERIVENTRICULAR NODULAR HETEROTOPIA 1; X-linked periventricular heterotopia; PERIVENTRICULAR NODULAR HETEROTOPIA 4; HETEROTOPIA, PERIVENTRICULAR, 1. Identifiers: Orphanet 2149, Orphanet 82004, MedGen C1848213, MONDO:0010233, OMIM 300049.
Melnick-Needles syndrome (MNS). Also called: MELNICK-NEEDLES OSTEODYSPLASTY; OSTEODYSPLASTY OF MELNICK AND NEEDLES; Melnick-Needles Syndrome (FLNA-MNS). Identifiers: Orphanet 2484, MedGen C0025237, MONDO:0010650, OMIM 309350.
Frontometaphyseal dysplasia (FMD1). Identifiers: Orphanet 1826, MedGen C0265293, MONDO:0015942.
Oto-palato-digital syndrome, type II (OPD2). Also called: FACIOPALATOOSSEOUS SYNDROME; OPD II SYNDROME; Otopalatodigital Syndrome Type 2 (FLNA-OPD2); Otopalatodigital Syndrome, Type II. Identifiers: Orphanet 669, Orphanet 90652, MedGen C1844696, MONDO:0010571, OMIM 304120.

Submission:

Labcorp Genetics (formerly Invitae), Labcorp
Classification: Likely pathogenic for Oto-palato-digital syndrome, type II; Heterotopia, periventricular, X-linked dominant; Frontometaphyseal dysplasia; Melnick-Needles syndrome. Last evaluated: 2025-10-21. Review status: criteria provided, single submitter. Criteria: Invitae Variant Classification Sherloc (09022015). Collection method: clinical testing. Allele origin: germline.
Comment: This sequence change replaces methionine, which is neutral and non-polar, with isoleucine, which is neutral and non-polar, at codon 28 of the FLNA protein (p.Met28Ile). This variant is not present in population databases (gnomAD no frequency). This missense change has been observed in individual(s) with cardiac valvular dysplasia and/or clinical features of X-linked dominant periventricular nodular heterotopia (PMID: 32592953; internal data). In at least one individual the variant was observed to be de novo. Invitae Evidence Modeling of protein sequence and biophysical properties (such as structural, functional, and spatial information, amino acid conservation, physicochemical variation, residue mobility, and thermodynamic stability) indicates that this missense variant is not expected to disrupt FLNA protein function with a negative predictive value of 95%. This variant disrupts the p.Met28 amino acid residue in FLNA. Other variant(s) that disrupt this residue have been observed in individuals with FLNA-related conditions (PMID: 29024177), which suggests that this may be a clinically significant amino acid residue. In summary, the currently available evidence indicates that the variant is pathogenic, but additional data are needed to prove that conclusively. Therefore, this variant has been classified as Likely Pathogenic.

Literature cited by the submitters: PubMed 32592953; PubMed 29024177.

NM_001110556.2(FLNA):c.84G>A (p.Met28Ile)

Gene: FLNA (filamin A; minus strand). Cytogenetic location: Xq28.
Variant type: single nucleotide variant.
Coding change: c.84G>A on transcript NM_001110556.2 (MANE Select); coding-DNA position 84, G replaced by A.
Protein change: p.Met28Ile; replaces methionine 28 with isoleucine.
Molecular consequence: missense variant.
Genome position (GRCh38, 1-based): chrX:154,371,162, C>T on the plus strand (G>A on the coding strand, the complement: FLNA is on the minus strand). VCF-style: chrX-154371162-C-T. GRCh37 (hg19) VCF-style: chrX-153599530-C-T.
Other names: c.84G>A, p.Met28Ile (NM_001456.4); short protein forms M28I.
Identifiers: ClinVar variation 4795005 (VCV004795005.1).